The following is an entry in ClinVar:

NM_000222.3(KIT):c.404G>T (p.Arg135Leu)

Gene: KIT (KIT proto-oncogene, receptor tyrosine kinase; plus strand). Cytogenetic location: 4q12.
Variant type: single nucleotide variant.
Coding change: c.404G>T on transcript NM_000222.3 (MANE Select); coding-DNA position 404, G replaced by T.
Protein change: p.Arg135Leu; replaces arginine 135 with leucine.
Molecular consequence: missense variant.
Genome position (GRCh38, 1-based): chr4:54,698,350, G>T. VCF-style: chr4-54698350-G-T. GRCh37 (hg19) VCF-style: chr4-55564516-G-T.
Other names: c.404G>T, p.Arg135Leu (NM_001093772.2, NM_001385284.1, NM_001385285.1 and 4 more transcripts); short protein forms R135L.
Identifiers: ClinVar variation 2420896 (VCV002420896.14), dbSNP rs1174814949, ClinGen allele CA356897514.
Genomic context (GRCh38, chr4:54,698,350, plus strand): 5'-CCAAGCTTTTCCTTGTTGACCGCTCCTTGTATGGGAAAGAAGACAACGACACGCTGGTCC[G>T]CTGTCCTCTCACAGACCCAGAAGTGACCAATTATTCCCTCAAGGGGTGCCAGGGGAAGCC-3'
Protein context (NP_000213.1, residues 125-145): YGKEDNDTLV[Arg135Leu]CPLTDPEVTN

ClinVar aggregate classification (germline): Uncertain significance. Review status: criteria provided, multiple submitters, no conflicts (2 of 4 stars). 2 submissions from 2 submitters: Uncertain significance (2). Last evaluated 2025-07-22.

Conditions:
Hereditary cancer-predisposing syndrome. Also called: Neoplastic Syndromes, Hereditary; Tumor predisposition; Hereditary Cancer Syndrome; Hereditary neoplastic syndrome. Identifiers: Orphanet 140162, MedGen C0027672, MeSH D009386, MONDO:0015356.
Gastrointestinal stromal tumor. Also called: Gastrointestinal stroma tumor; Gastrointestinal stromal tumor, somatic. Identifiers: Orphanet 44890, MedGen C0238198, MeSH D046152, MONDO:0011719, OMIM 606764, HP:0100723.

Submissions (2):

Ambry Genetics
Classification: Uncertain significance for Hereditary cancer-predisposing syndrome. Last evaluated: 2025-07-22. Review status: criteria provided, single submitter. Criteria: Ambry Variant Classification Scheme 2023. Collection method: clinical testing. Allele origin: germline.
Comment: The p.R135L variant (also known as c.404G>T), located in coding exon 3 of the KIT gene, results from a G to T substitution at nucleotide position 404. The arginine at codon 135 is replaced by leucine, an amino acid with dissimilar properties. This amino acid position is not well conserved in available vertebrate species. In addition, this alteration is predicted to be tolerated by in silico analysis. Based on the available evidence, the clinical significance of this variant remains unclear.

Labcorp Genetics (formerly Invitae), Labcorp
Classification: Uncertain significance for Gastrointestinal stromal tumor. Last evaluated: 2022-03-27. Review status: criteria provided, single submitter. Criteria: Invitae Variant Classification Sherloc (09022015). Collection method: clinical testing. Allele origin: germline.
Comment: This variant is not present in population databases (gnomAD no frequency). In summary, the available evidence is currently insufficient to determine the role of this variant in disease. Therefore, it has been classified as a Variant of Uncertain Significance. Algorithms developed to predict the effect of sequence changes on RNA splicing suggest that this variant may create or strengthen a splice site. Algorithms developed to predict the effect of missense changes on protein structure and function (SIFT, PolyPhen-2, Align-GVGD) all suggest that this variant is likely to be tolerated. This variant has not been reported in the literature in individuals affected with KIT-related conditions. This sequence change replaces arginine, which is basic and polar, with leucine, which is neutral and non-polar, at codon 135 of the KIT protein (p.Arg135Leu).